The following is an entry in ClinVar:

NM_003285.3(TNR):c.3699C>G (p.Gly1233=)

Gene: TNR (tenascin R; minus strand). Cytogenetic location: 1q25.1.
Variant type: single nucleotide variant.
Coding change: c.3699C>G on transcript NM_003285.3 (MANE Select); coding-DNA position 3699, C replaced by G.
Protein change: p.Gly1233=; no amino-acid change (glycine 1233 retained).
Molecular consequence: synonymous variant.
Genome position (GRCh38, 1-based): chr1:175,330,168, G>C on the plus strand (C>G on the coding strand, the complement: TNR is on the minus strand). VCF-style: chr1-175330168-G-C. GRCh37 (hg19) VCF-style: chr1-175299304-G-C.
Other names: c.2700C>G, p.Gly900= (NM_001328635.2).
Identifiers: ClinVar variation 3771285 (VCV003771285.13).

ClinVar aggregate classification (germline): Likely benign (1 of 4 stars; one submission).

gnomAD v4.1: 19 of 1,613,504 alleles (0.0012%); highest among the groups gnomAD compares: Middle Eastern, 0.016%; no homozygotes.

Submission:

CeGaT Center for Human Genetics Tuebingen
Classification: Likely benign. Last evaluated: 2025-01-01. Review status: criteria provided, single submitter. Criteria: CeGaT Center For Human Genetics Tuebingen Variant Classification Criteria Version 2. Collection method: clinical testing. Allele origin: germline. Affected: yes. Observed: 1 variant allele.
Comment: TNR: BP4, BP7